The following is an entry in ClinVar:

NM_001015877.2(PHF6):c.1073C>A (p.Thr358Asn)

Gene: PHF6 (PHD finger protein 6; plus strand). Cytogenetic location: Xq26.2.
Variant type: single nucleotide variant.
Coding change: c.1073C>A on transcript NM_001015877.2 (MANE Select); coding-DNA position 1073, C replaced by A.
Protein change: p.Thr358Asn; replaces threonine 358 with asparagine.
Molecular consequence: missense variant.
Genome position (GRCh38, 1-based): chrX:134,425,305, C>A. VCF-style: chrX-134425305-C-A. GRCh37 (hg19) VCF-style: chrX-133559335-C-A.
Other names: c.1073C>A, p.Thr358Asn (NM_032458.3); short protein forms T358N.
Identifiers: ClinVar variation 3651285 (VCV003651285.2).

ClinVar aggregate classification (germline): Uncertain significance (1 of 4 stars; one submission).

Conditions:
Borjeson-Forssman-Lehmann syndrome (BFLS). Also called: MENTAL RETARDATION, X-LINKED, SYNDROMIC, BORJESON-FORSSMAN-LEHMANN TYPE; MENTAL RETARDATION, EPILEPSY, AND ENDOCRINE DISORDERS; BORJESON SYNDROME. Identifiers: Orphanet 127, MedGen C0265339, MONDO:0010537, OMIM 301900.

Submission:

Labcorp Genetics (formerly Invitae), Labcorp
Classification: Uncertain significance for Borjeson-Forssman-Lehmann syndrome. Last evaluated: 2025-01-23. Review status: criteria provided, single submitter. Criteria: Invitae Variant Classification Sherloc (09022015). Collection method: clinical testing. Allele origin: germline.
Comment: This sequence change replaces threonine, which is neutral and polar, with asparagine, which is neutral and polar, at codon 358 of the PHF6 protein (p.Thr358Asn). This variant is not present in population databases (gnomAD no frequency). This variant has not been reported in the literature in individuals affected with PHF6-related conditions. An algorithm developed to predict the effect of missense changes on protein structure and function (PolyPhen-2) suggests that this variant is likely to be tolerated. In summary, the available evidence is currently insufficient to determine the role of this variant in disease. Therefore, it has been classified as a Variant of Uncertain Significance.